The following is an entry in ClinVar:

ClinVar aggregate classification (germline): Conflicting classifications of pathogenicity. Review status: criteria provided, conflicting classifications (1 of 4 stars). 2 submissions from 2 submitters: Uncertain significance (1); Likely benign (1). Last evaluated 2025-06-05.

Conditions:
Cardiovascular phenotype. Identifiers: MedGen CN230736.
Alstrom syndrome (ALMS). Identifiers: Orphanet 64, MedGen C0268425, MONDO:0008763, OMIM 203800.

Allele frequency attached by ClinVar (database versions not stated): ExAC 0.00001; gnomAD 0.00001; gnomAD exomes 0.00001; TOPMed 0.00001.
gnomAD v4.1: 11 of 1,613,844 alleles (0.00068%); highest among the groups gnomAD compares: East Asian, 0.02%; 1 homozygote.

Submissions (2):

Ambry Genetics
Classification: Likely benign for Cardiovascular phenotype. Last evaluated: 2025-06-05. Review status: criteria provided, single submitter. Criteria: Ambry Variant Classification Scheme 2023. Collection method: clinical testing. Allele origin: germline.

Labcorp Genetics (formerly Invitae), Labcorp
Classification: Uncertain significance for Alstrom syndrome. Last evaluated: 2022-10-29. Review status: criteria provided, single submitter. Criteria: Invitae Variant Classification Sherloc (09022015). Collection method: clinical testing. Allele origin: germline.
Comment: This sequence change replaces lysine, which is basic and polar, with asparagine, which is neutral and polar, at codon 3443 of the ALMS1 protein (p.Lys3443Asn). This variant is present in population databases (rs745322502, gnomAD 0.02%). This variant has not been reported in the literature in individuals affected with ALMS1-related conditions. Experimental studies and prediction algorithms are not available or were not evaluated, and the functional significance of this variant is currently unknown. In summary, the available evidence is currently insufficient to determine the role of this variant in disease. Therefore, it has been classified as a Variant of Uncertain Significance.

Literature cited by the submitters: PubMed 36440223 (cited by Ambry Genetics).

NM_001378454.1(ALMS1):c.10326G>C (p.Lys3442Asn)

Gene: ALMS1 (ALMS1 centrosome and basal body associated protein; plus strand). Cytogenetic location: 2p13.1.
Variant type: single nucleotide variant.
Coding change: c.10326G>C on transcript NM_001378454.1 (MANE Select); coding-DNA position 10326, G replaced by C.
Protein change: p.Lys3442Asn; replaces lysine 3442 with asparagine.
Molecular consequence: missense variant.
Genome position (GRCh38, 1-based): chr2:73,559,084, G>C. VCF-style: chr2-73559084-G-C. GRCh37 (hg19) VCF-style: chr2-73786211-G-C.
Other names: c.10329G>C, p.Lys3443Asn (NM_015120.4); short protein forms K3443N, K3442N.
Identifiers: ClinVar variation 1979278 (VCV001979278.2), dbSNP rs745322502, ClinGen allele CA1714966.